The following is an entry in ClinVar:

ClinVar aggregate classification (germline): Uncertain significance (1 of 4 stars; one submission).

Allele frequency attached by ClinVar (database versions not stated): gnomAD exomes below 0.00001; gnomAD 0.00001; TOPMed 0.00001.
gnomAD v4.1: 4 of 1,599,820 alleles (0.00025%); highest among the groups gnomAD compares: Non-Finnish European, 0.00034%; no homozygotes.

Submission:

Ambry Genetics
Classification: Uncertain significance. Last evaluated: 2024-05-25. Review status: criteria provided, single submitter. Criteria: Ambry Variant Classification Scheme 2023. Collection method: clinical testing. Allele origin: germline.
Comment: The p.P41S variant (also known as c.121C>T), located in coding exon 1 of the POLQ gene, results from a C to T substitution at nucleotide position 121. The proline at codon 41 is replaced by serine, an amino acid with similar properties. This amino acid position is conserved. In addition, this alteration is predicted to be tolerated by in silico analysis. Since supporting evidence is limited at this time, the clinical significance of this alteration remains unclear.

NM_199420.4(POLQ):c.121C>T (p.Pro41Ser)

Genes: POLQ (DNA polymerase theta; minus strand), LOC112872292 (Sharpr-MPRA regulatory region 30; plus strand). Cytogenetic location: 3q13.33.
Variant type: single nucleotide variant.
Coding change: c.121C>T on transcript NM_199420.4 (MANE Select); coding-DNA position 121, C replaced by T.
Protein change: p.Pro41Ser; replaces proline 41 with serine.
Molecular consequence: missense variant.
Genome position (GRCh38, 1-based): chr3:121,545,757, G>A on the plus strand (C>T on the coding strand, the complement: POLQ is on the minus strand). VCF-style: chr3-121545757-G-A. GRCh37 (hg19) VCF-style: chr3-121264604-G-A.
Other names: short protein forms P41S.
Identifiers: ClinVar variation 1752664 (VCV001752664.3), dbSNP rs1047413088, ClinGen allele CA81838121.